The following is an entry in ClinVar:

NM_004415.4(DSP):c.3784C>T (p.Gln1262Ter)

Gene: DSP (desmoplakin; plus strand). Cytogenetic location: 6p24.3.
Variant type: single nucleotide variant.
Coding change: c.3784C>T on transcript NM_004415.4 (MANE Select); coding-DNA position 3784, C replaced by T.
Protein change: p.Gln1262Ter; replaces glutamine 1262 with a stop codon.
Molecular consequence: nonsense. On other transcripts: intron variant (1).
Genome position (GRCh38, 1-based): chr6:7,579,974, C>T. VCF-style: chr6-7579974-C-T. GRCh37 (hg19) VCF-style: chr6-7580207-C-T.
Other names: c.3784C>T, p.Gln1262Ter (NM_001319034.2); c.3582+202C>T (NM_001008844.3); short protein forms Q1262*.
Identifiers: ClinVar variation 1454187 (VCV001454187.9), dbSNP rs2113692628, ClinGen allele CA362684850.

ClinVar aggregate classification (germline): Pathogenic. Review status: criteria provided, multiple submitters, no conflicts (2 of 4 stars). 3 submissions from 3 submitters: Pathogenic (3). Last evaluated 2024-10-25.

Conditions:
Cardiovascular phenotype. Identifiers: MedGen CN230736.
Arrhythmogenic cardiomyopathy with wooly hair and keratoderma. Also called: Dilated cardiomyopathy with woolly hair and keratoderma; Arrhythmogenic cardiomyopathy with woolly hair and keratoderma; Carvajal syndrome; PALMOPLANTAR KERATODERMA WITH LEFT VENTRICULAR CARDIOMYOPATHY AND WOOLLY HAIR. Identifiers: Orphanet 65282, MedGen C1854063, MONDO:0011581, OMIM 605676.
Arrhythmogenic right ventricular dysplasia 8 (ARVD8). Also called: ARRHYTHMOGENIC RIGHT VENTRICULAR DYSPLASIA, FAMILIAL, 8; ARRHYTHMOGENIC RIGHT VENTRICULAR CARDIOMYOPATHY 8; Arrhythmogenic Right Ventricular Dysplasia/Cardiomyopathy 8. Identifiers: MedGen C1843896, MONDO:0011831, OMIM 607450.
DSP-related disorder. Also called: DSP-related disorders; DSP-related condition.

Submissions (3):

Blueprint Genetics
Classification: Pathogenic for DSP-related disorders. Last evaluated: 2024-10-25. Review status: criteria provided, single submitter. Criteria: ACMG Guidelines, 2015. Collection method: clinical testing. Allele origin: germline. Affected: yes. Observed: 1 variant allele.

Labcorp Genetics (formerly Invitae), Labcorp
Classification: Pathogenic for Arrhythmogenic cardiomyopathy with wooly hair and keratoderma; Arrhythmogenic right ventricular dysplasia 8. Last evaluated: 2022-09-14. Review status: criteria provided, single submitter. Criteria: Invitae Variant Classification Sherloc (09022015). Collection method: clinical testing. Allele origin: germline.
Comment: This sequence change creates a premature translational stop signal (p.Gln1262*) in the DSP gene. It is expected to result in an absent or disrupted protein product. Loss-of-function variants in DSP are known to be pathogenic (PMID: 20716751, 24503780, 25227139). For these reasons, this variant has been classified as Pathogenic. ClinVar contains an entry for this variant (Variation ID: 1454187). This premature translational stop signal has been observed in individual(s) with DSP-related conditions (PMID: 23812740, 31514951). This variant is not present in population databases (gnomAD no frequency).

Ambry Genetics
Classification: Pathogenic for Cardiovascular phenotype. Last evaluated: 2020-10-06. Review status: criteria provided, single submitter. Criteria: Ambry Variant Classification Scheme 2023. Collection method: clinical testing. Allele origin: germline.
Comment: The p.Q1262* pathogenic mutation (also known as c.3784C>T), located in coding exon 23 of the DSP gene, results from a C to T substitution at nucleotide position 3784. This changes the amino acid from a glutamine to a stop codon within coding exon 23. Alterations in DSP that result in haploinsufficiency or protein truncation have been reported in patients with arrhythmogenic right ventricular cardiomyopathy (ARVC) and dilated cardiomyopathy (DCM) (Fressart V et al. Europace. 2010;12(6):861-8; Elliott P et al. Circ Cardiovasc Genet. 2010;3(4):314-22; Quarta G et al. Circulation. 2011;123(23):2701-9; Garcia-Pavia P et al. Heart. 2011;97(21):1744-52; Rasmussen TB et al. Clin Genet. 2013;84(1):20-30; Pugh TJ et al. Genet Med. 2014;16(8):601-8), and this alteration has been detected in an ARVC cohort (Baskin B et al. Hum Genet. 2013 Nov;132:1245-52). This alteration is expected to result in loss of function by premature protein truncation or nonsense-mediated mRNA decay. As such, this alteration is interpreted as a disease-causing mutation.

Literature cited by the submitters: PubMed 20716751 (cited by Labcorp Genetics (formerly Invitae), Labcorp); PubMed 24503780 (cited by Labcorp Genetics (formerly Invitae), Labcorp); PubMed 25227139 (cited by Labcorp Genetics (formerly Invitae), Labcorp); PubMed 23812740 (cited by Labcorp Genetics (formerly Invitae), Labcorp and Ambry Genetics); PubMed 31514951 (cited by Labcorp Genetics (formerly Invitae), Labcorp).